The following is an entry in ClinVar:

ClinVar aggregate classification (germline): Uncertain significance. Review status: criteria provided, multiple submitters, no conflicts (2 of 4 stars). 2 submissions from 2 submitters: Uncertain significance (2). Last evaluated 2026-05-26.

Conditions:
Usher syndrome type 1 (USH1). Also called: RETINITIS PIGMENTOSA AND CONGENITAL DEAFNESS. Identifiers: Orphanet 231169, Orphanet 886, MedGen C1568247, MONDO:0010168, OMIM 276900.

Submissions (2):

Myriad Genetics, Inc.
Classification: Uncertain significance for Usher syndrome type 1. Last evaluated: 2026-05-26. Review status: criteria provided, single submitter. Criteria: Myriad Autosomal Dominant, Autosomal Recessive and X-Linked Classification Criteria (2023). Collection method: clinical testing. Allele origin: unknown.
Comment: NM_000260.3(MYO7A):c.388A>T(M130L) is a missense variant classified as a variant of uncertain significance in the context of MYO7A-related disorders. M130L has been observed in a case with relevant disease (PMID: 39640791). Relevant functional assessments of this variant are not available in the literature. M130L has not been observed in referenced population frequency databases. In summary, there is insufficient evidence to classify NM_000260.3(MYO7A):c.388A>T(M130L) as pathogenic or benign. Please note: this variant was assessed in the context of healthy population screening.

Labcorp Genetics (formerly Invitae), Labcorp
Classification: Uncertain significance. Last evaluated: 2022-07-18. Review status: criteria provided, single submitter. Criteria: Invitae Variant Classification Sherloc (09022015). Collection method: clinical testing. Allele origin: germline.
Comment: This sequence change replaces methionine, which is neutral and non-polar, with leucine, which is neutral and non-polar, at codon 130 of the MYO7A protein (p.Met130Leu). This variant is not present in population databases (gnomAD no frequency). This variant has not been reported in the literature in individuals affected with MYO7A-related conditions. Advanced modeling of protein sequence and biophysical properties (such as structural, functional, and spatial information, amino acid conservation, physicochemical variation, residue mobility, and thermodynamic stability) performed at Invitae indicates that this missense variant is not expected to disrupt MYO7A protein function. In summary, the available evidence is currently insufficient to determine the role of this variant in disease. Therefore, it has been classified as a Variant of Uncertain Significance.

Literature cited by the submitters: PubMed 39640791 (cited by Myriad Genetics, Inc.).

NM_000260.4(MYO7A):c.388A>T (p.Met130Leu)

Gene: MYO7A (myosin VIIA; plus strand). Cytogenetic location: 11q13.5.
Variant type: single nucleotide variant.
Coding change: c.388A>T on transcript NM_000260.4 (MANE Select); coding-DNA position 388, A replaced by T.
Protein change: p.Met130Leu; replaces methionine 130 with leucine.
Molecular consequence: missense variant.
Genome position (GRCh38, 1-based): chr11:77,156,009, A>T. VCF-style: chr11-77156009-A-T. GRCh37 (hg19) VCF-style: chr11-76867055-A-T.
Other names: c.388A>T, p.Met130Leu (NM_001127180.2); c.355A>T, p.Met119Leu (NM_001369365.1); short protein forms M119L, M130L.
Identifiers: ClinVar variation 2141298 (VCV002141298.2), dbSNP rs782473441, ClinGen allele CA381931448.